The following is an entry in ClinVar:

NM_152564.5(VPS13B):c.7738G>A (p.Val2580Ile)

Gene: VPS13B (vacuolar protein sorting 13 homolog B; plus strand). Cytogenetic location: 8q22.2.
Variant type: single nucleotide variant.
Coding change: c.7738G>A on transcript NM_152564.5 (MANE Select); coding-DNA position 7738, G replaced by A.
Protein change: p.Val2580Ile; replaces valine 2580 with isoleucine.
Molecular consequence: missense variant.
Genome position (GRCh38, 1-based): chr8:99,778,990, G>A. VCF-style: chr8-99778990-G-A. GRCh37 (hg19) VCF-style: chr8-100791218-G-A.
Other names: c.7813G>A, p.Val2605Ile (NM_017890.5); short protein forms V2605I, V2580I.
Identifiers: ClinVar variation 3716509 (VCV003716509.2).

ClinVar aggregate classification (germline): Uncertain significance (1 of 4 stars; one submission).

Conditions:
Cohen syndrome (COH1). Also called: PEPPER SYNDROME; Cutis verticis gyrata, retinitis pigmentosa, and sensorineural deafness. Identifiers: Orphanet 193, MedGen C0265223, MONDO:0008999, OMIM 216550.

gnomAD v4.1: 2 of 1,613,824 alleles (0.00012%); highest among the groups gnomAD compares: African/African-American, 0.0013%; no homozygotes.

Submission:

Labcorp Genetics (formerly Invitae), Labcorp
Classification: Uncertain significance for Cohen syndrome. Last evaluated: 2024-11-21. Review status: criteria provided, single submitter. Criteria: Invitae Variant Classification Sherloc (09022015). Collection method: clinical testing. Allele origin: germline.
Comment: This sequence change replaces valine, which is neutral and non-polar, with isoleucine, which is neutral and non-polar, at codon 2605 of the VPS13B protein (p.Val2605Ile). This variant is not present in population databases (gnomAD no frequency). This variant has not been reported in the literature in individuals affected with VPS13B-related conditions. Invitae Evidence Modeling of protein sequence and biophysical properties (such as structural, functional, and spatial information, amino acid conservation, physicochemical variation, residue mobility, and thermodynamic stability) indicates that this missense variant is not expected to disrupt VPS13B protein function with a negative predictive value of 80%. In summary, the available evidence is currently insufficient to determine the role of this variant in disease. Therefore, it has been classified as a Variant of Uncertain Significance.